The following is an entry in ClinVar:

NM_004656.4(BAP1):c.67+1del

Gene: BAP1 (BRCA1 associated deubiquitinase 1; minus strand). Cytogenetic location: 3p21.1.
Variant type: Deletion.
Coding change: c.67+1del on transcript NM_004656.4 (MANE Select); the canonical splice donor site of the intron after coding-DNA position 67, one base deleted (G; older notation c.67+1delG).
Molecular consequence: splice donor variant.
Genome position (GRCh38, 1-based): chr3:52,409,713, C deleted on the plus strand (G on the coding strand, the reverse complement: BAP1 is on the minus strand); the first of 2 consecutive C bases (chr3:52,409,713-52,409,714); deleting either gives the same sequence. VCF-style (leftmost placement, unchanged base first): chr3-52409712-AC-A. GRCh37 (hg19) VCF-style: chr3-52443728-AC-A.
Other names: c.67+1del (NM_001410772.1).
Identifiers: ClinVar variation 1478809 (VCV001478809.6), dbSNP rs2153228616, ClinGen allele CA2573137308.
Genomic context (GRCh38, chr3:52,409,712, plus strand): 5'-TGAGTGAGGGCGCAGGGGTGGGCCGCCACAGCCCCGGTCCGGCAGGGAGAAAAGGCTCTT[AC>A]CGAAATCTTCCACGAGCAGGGTGAAGAGGCCTGGGTGGGGCGACAAGAGGAGGGGGTGAT-3'

ClinVar aggregate classification (germline): Likely pathogenic (1 of 4 stars; one submission).

Conditions:
BAP1-related tumor predisposition syndrome (TPDS1). Also called: TUMOR PREDISPOSITION SYNDROME 1; BAP1 tumor predisposition syndrome; Tumor susceptibility linked to germline BAP1 mutations; COMMON Syndrome. Identifiers: Orphanet 289539, MedGen C3280492, MONDO:0013692, OMIM 614327.

Submission:

Labcorp Genetics (formerly Invitae), Labcorp
Classification: Likely pathogenic for BAP1-related tumor predisposition syndrome. Last evaluated: 2021-11-14. Review status: criteria provided, single submitter. Criteria: Invitae Variant Classification Sherloc (09022015). Collection method: clinical testing. Allele origin: germline.
Comment: Algorithms developed to predict the effect of sequence changes on RNA splicing suggest that this variant may disrupt the consensus splice site. In summary, the currently available evidence indicates that the variant is pathogenic, but additional data are needed to prove that conclusively. Therefore, this variant has been classified as Likely Pathogenic. Disruption of this splice site has been observed in individual(s) with BAP1 tumor predisposition syndrome (Invitae). This variant is not present in population databases (gnomAD no frequency). This sequence change affects a splice site in intron 2 of the BAP1 gene. It is expected to disrupt RNA splicing. Variants that disrupt the donor or acceptor splice site typically lead to a loss of protein function (PMID: 16199547), and loss-of-function variants in BAP1 are known to be pathogenic (PMID: 21874000, 23684012).

Literature cited by the submitters: PubMed 16199547; PubMed 21874000; PubMed 23684012.